The following is an entry in ClinVar:

ClinVar aggregate classification (germline): Pathogenic (1 of 4 stars; one submission).

Conditions:
Retinoblastoma (RB1). Also called: RETINOBLASTOMA, SOMATIC. Identifiers: Orphanet 790, MedGen C0035335, MeSH D012175, MONDO:0008380, OMIM 180200, HP:0009919. Disease mechanism: loss of function. Inheritance: Both sporadic and heritable forms are tested..

Submission:

Genetic Diagnostic Laboratory, University of Pennsylvania School of Medicine
Classification: Pathogenic for Retinoblastoma. Last evaluated: 2024-05-20. Review status: criteria provided, single submitter. Criteria: ACMG Guidelines, 2015. Collection method: clinical testing. Allele origin: germline. Affected: yes. Observed: 1 variant allele.
Comment: Case and Pedigree Information: BILATERAL CASES:1, UNILATERAL CASES:0, TOTAL CASES:1, PEDIGREES:1. ACMG Codes Applied:PVS1, PM2

NM_000321.3(RB1):c.1282del (p.Glu428fs)

Gene: RB1 (RB transcriptional corepressor 1; plus strand). Cytogenetic location: 13q14.2.
Variant type: Deletion.
Coding change: c.1282del on transcript NM_000321.3 (MANE Select); coding-DNA position 1282, one base deleted (G; older notation c.1282delG).
Protein change: p.Glu428fs; shifts the reading frame from glutamic acid 428.
Molecular consequence: frameshift variant.
Genome position (GRCh38, 1-based): chr13:48,376,984, G deleted. VCF-style (leftmost placement, unchanged base first): chr13-48376983-AG-A. GRCh37 (hg19) VCF-style: chr13-48951119-AG-A.
Other names: c.1282del, p.Glu428fs (NM_001407165.1, NM_001407166.1); short protein forms E428fs.
Identifiers: ClinVar variation 3236966 (VCV003236966.1), dbSNP rs2542199056.